The following is an entry in ClinVar:

ClinVar aggregate classification (germline): Likely benign. Review status: criteria provided, multiple submitters, no conflicts (2 of 4 stars). 3 submissions from 3 submitters: Likely benign (3). Last evaluated 2025-11-23.

Allele frequency attached by ClinVar (database versions not stated): ExAC 0.00002; gnomAD 0.00002 and 0.00003; gnomAD exomes 0.00002 and 0.00003; TOPMed 0.00003.
gnomAD v4.1: 41 of 1,613,954 alleles (0.0025%); highest among the groups gnomAD compares: Middle Eastern, 0.033%; no homozygotes.

Submissions (3):

Labcorp Genetics (formerly Invitae), Labcorp
Classification: Likely benign. Last evaluated: 2025-11-23. Review status: criteria provided, single submitter. Criteria: Invitae Variant Classification Sherloc (09022015). Collection method: clinical testing. Allele origin: germline.

CeGaT Center for Human Genetics Tuebingen
Classification: Likely benign. Last evaluated: 2025-07-01. Review status: criteria provided, single submitter. Criteria: CeGaT Center For Human Genetics Tuebingen Variant Classification Criteria Version 2. Collection method: clinical testing. Allele origin: germline. Affected: yes. Observed: 2 variant alleles.
Comment: RNF168: BP4, BP7

Blueprint Genetics
Classification: Likely benign. Last evaluated: 2024-10-08. Review status: criteria provided, single submitter. Criteria: ACMG Guidelines, 2015. Collection method: clinical testing. Allele origin: germline.

NM_152617.4(RNF168):c.1065C>T (p.Cys355=)

Gene: RNF168 (ring finger protein 168; minus strand). Cytogenetic location: 3q29.
Variant type: single nucleotide variant.
Coding change: c.1065C>T on transcript NM_152617.4 (MANE Select); coding-DNA position 1065, C replaced by T.
Protein change: p.Cys355=; no amino-acid change (cysteine 355 retained).
Molecular consequence: synonymous variant.
Genome position (GRCh38, 1-based): chr3:196,472,470, G>A on the plus strand (C>T on the coding strand, the complement: RNF168 is on the minus strand). VCF-style: chr3-196472470-G-A. GRCh37 (hg19) VCF-style: chr3-196199341-G-A.
Identifiers: ClinVar variation 1666333 (VCV001666333.18), dbSNP rs762533665, ClinGen allele CA2780741.